The following is an entry in ClinVar:

ClinVar aggregate classification (germline): Pathogenic (1 of 4 stars; one submission).

Conditions:
Brachyolmia-amelogenesis imperfecta syndrome. Also called: PLATYSPONDYLY WITH AMELOGENESIS IMPERFECTA; Tooth agenesis, selective, 6; Dental anomalies and short stature. Identifiers: Orphanet 2899, MedGen C1832594, MONDO:0011018, OMIM 601216. Disease mechanism: loss of function.

Submission:

Labcorp Genetics (formerly Invitae), Labcorp
Classification: Pathogenic for Brachyolmia-amelogenesis imperfecta syndrome. Last evaluated: 2024-11-20. Review status: criteria provided, single submitter. Criteria: Invitae Variant Classification Sherloc (09022015). Collection method: clinical testing. Allele origin: germline.
Comment: This sequence change creates a premature translational stop signal (p.Thr166Lysfs*25) in the LTBP3 gene. It is expected to result in an absent or disrupted protein product. Loss-of-function variants in LTBP3 are known to be pathogenic (PMID: 11790802, 19344874, 25669657). This variant is not present in population databases (gnomAD no frequency). This variant has not been reported in the literature in individuals affected with LTBP3-related conditions. For these reasons, this variant has been classified as Pathogenic.

Literature cited by the submitters: PubMed 11790802; PubMed 19344874; PubMed 25669657.

NM_001130144.3(LTBP3):c.497del (p.Thr166fs)

Gene: LTBP3 (latent transforming growth factor beta binding protein 3; minus strand). Cytogenetic location: 11q13.1.
Variant type: Deletion.
Coding change: c.497del on transcript NM_001130144.3 (MANE Select); coding-DNA position 497, one base deleted (C; older notation c.497delC).
Protein change: p.Thr166fs; shifts the reading frame from threonine 166.
Molecular consequence: frameshift variant.
Genome position (GRCh38, 1-based): chr11:65,554,215, G deleted on the plus strand (C on the coding strand, the reverse complement: LTBP3 is on the minus strand). VCF-style (leftmost placement, unchanged base first): chr11-65554214-TG-T. GRCh37 (hg19) VCF-style: chr11-65321685-TG-T.
Other names: c.146del, p.Thr49fs (NM_001164266.1); c.497del, p.Thr166fs (NM_021070.4); short protein forms T166fs, T49fs.
Identifiers: ClinVar variation 3725705 (VCV003725705.2).